The following is an entry in ClinVar:

ClinVar aggregate classification (germline): Uncertain significance (1 of 4 stars; one submission).

Conditions:
Menkes kinky-hair syndrome (MNK). Also called: Copper transport disease; Menkes Disease; Classic Menkes Disease. Identifiers: Orphanet 565, MedGen C0022716, MONDO:0010651, OMIM 309400.
Cutis laxa, X-linked (OHS). Also called: EDS IX; Occipital horn syndrome. Identifiers: Orphanet 198, MedGen C0268353, MONDO:0010572, OMIM 304150.
X-linked distal spinal muscular atrophy type 3. Also called: ATP7A-Related Distal Motor Neuropathy; SPINAL MUSCULAR ATROPHY, DISTAL, X-LINKED RECESSIVE; NEURONOPATHY, DISTAL HEREDITARY MOTOR, X-LINKED; NEUROPATHY, DISTAL HEREDITARY MOTOR, X-LINKED. Identifiers: Orphanet 139557, MedGen C1845359, MONDO:0010338, OMIM 300489.

Submission:

Labcorp Genetics (formerly Invitae), Labcorp
Classification: Uncertain significance for X-linked distal spinal muscular atrophy type 3; Cutis laxa, X-linked; Menkes kinky-hair syndrome. Last evaluated: 2023-03-07. Review status: criteria provided, single submitter. Criteria: Invitae Variant Classification Sherloc (09022015). Collection method: clinical testing. Allele origin: germline.
Comment: In summary, the available evidence is currently insufficient to determine the role of this variant in disease. Therefore, it has been classified as a Variant of Uncertain Significance. Advanced modeling of protein sequence and biophysical properties (such as structural, functional, and spatial information, amino acid conservation, physicochemical variation, residue mobility, and thermodynamic stability) performed at Invitae indicates that this missense variant is not expected to disrupt ATP7A protein function. This sequence change replaces serine, which is neutral and polar, with asparagine, which is neutral and polar, at codon 1480 of the ATP7A protein (p.Ser1480Asn). This variant is not present in population databases (gnomAD no frequency). This variant has not been reported in the literature in individuals affected with ATP7A-related conditions.

NM_000052.7(ATP7A):c.4439G>A (p.Ser1480Asn)

Gene: ATP7A (ATPase copper transporting alpha; plus strand). Cytogenetic location: Xq21.1.
Variant type: single nucleotide variant.
Coding change: c.4439G>A on transcript NM_000052.7 (MANE Select); coding-DNA position 4439, G replaced by A.
Protein change: p.Ser1480Asn; replaces serine 1480 with asparagine.
Molecular consequence: missense variant. On other transcripts: non-coding transcript variant (1).
Genome position (GRCh38, 1-based): chrX:78,046,506, G>A. VCF-style: chrX-78046506-G-A. GRCh37 (hg19) VCF-style: chrX-77302003-G-A.
Other names: c.4205G>A, p.Ser1402Asn (NM_001282224.2); short protein forms S1480N, S1402N.
Identifiers: ClinVar variation 2945029 (VCV002945029.3), dbSNP rs2522427886, ClinGen allele CA413606420.